The following is an entry in ClinVar:

NM_006766.5(KAT6A):c.5928G>A (p.Met1976Ile)

Gene: KAT6A (lysine acetyltransferase 6A; minus strand). Cytogenetic location: 8p11.21.
Variant type: single nucleotide variant.
Coding change: c.5928G>A on transcript NM_006766.5 (MANE Select); coding-DNA position 5928, G replaced by A.
Protein change: p.Met1976Ile; replaces methionine 1976 with isoleucine.
Molecular consequence: missense variant.
Genome position (GRCh38, 1-based): chr8:41,932,292, C>T on the plus strand (G>A on the coding strand, the complement: KAT6A is on the minus strand). VCF-style: chr8-41932292-C-T. GRCh37 (hg19) VCF-style: chr8-41789810-C-T.
Other names: short protein forms M1976I.
Identifiers: ClinVar variation 2718739 (VCV002718739.3), dbSNP rs376000956, ClinGen allele CA4729223.

ClinVar aggregate classification (germline): Uncertain significance (1 of 4 stars; one submission).

Allele frequency attached by ClinVar (database versions not stated): gnomAD exomes 0.00001; gnomAD 0.00001; ESP Exome Variant Server 0.00008; ExAC 0.00001; TOPMed 0.00002.

Submission:

Labcorp Genetics (formerly Invitae), Labcorp
Classification: Uncertain significance. Last evaluated: 2025-09-03. Review status: criteria provided, single submitter. Criteria: Invitae Variant Classification Sherloc (09022015). Collection method: clinical testing. Allele origin: germline.
Comment: This sequence change replaces methionine, which is neutral and non-polar, with isoleucine, which is neutral and non-polar, at codon 1976 of the KAT6A protein (p.Met1976Ile). This variant is present in population databases (rs376000956, gnomAD 0.0009%). This variant has not been reported in the literature in individuals affected with KAT6A-related conditions. ClinVar contains an entry for this variant (Variation ID: 2718739). Invitae Evidence Modeling of protein sequence and biophysical properties (such as structural, functional, and spatial information, amino acid conservation, physicochemical variation, residue mobility, and thermodynamic stability) indicates that this missense variant is not expected to disrupt KAT6A protein function with a negative predictive value of 95%. In summary, the available evidence is currently insufficient to determine the role of this variant in disease. Therefore, it has been classified as a Variant of Uncertain Significance.